The following is an entry in ClinVar:

NM_138420.4(AHNAK2):c.11316C>T (p.Asp3772=)

Gene: AHNAK2 (AHNAK nucleoprotein 2; minus strand). Cytogenetic location: 14q32.33.
Variant type: single nucleotide variant.
Coding change: c.11316C>T on transcript NM_138420.4 (MANE Select); coding-DNA position 11316, C replaced by T.
Protein change: p.Asp3772=; no amino-acid change (aspartic acid 3772 retained).
Molecular consequence: synonymous variant.
Genome position (GRCh38, 1-based): chr14:104,944,135, G>A on the plus strand (C>T on the coding strand, the complement: AHNAK2 is on the minus strand). VCF-style: chr14-104944135-G-A. GRCh37 (hg19) VCF-style: chr14-105410472-G-A.
Other names: c.11016C>T, p.Asp3672= (NM_001350929.2).
Identifiers: ClinVar variation 4821522 (VCV004821522.4).

ClinVar aggregate classification (germline): Likely benign (1 of 4 stars; one submission).

Submission:

CeGaT Center for Human Genetics Tuebingen
Classification: Likely benign. Last evaluated: 2025-12-01. Review status: criteria provided, single submitter. Criteria: CeGaT Center For Human Genetics Tuebingen Variant Classification Criteria Version 2. Collection method: clinical testing. Allele origin: germline. Affected: yes. Observed: 1 variant allele.
Comment: AHNAK2: BP4, BP7